The following is an entry in ClinVar:

ClinVar aggregate classification (germline): Uncertain significance (1 of 4 stars; one submission).

Allele frequency attached by ClinVar (database versions not stated): gnomAD 0.00015; 1000 Genomes Project 30x 0.00016; ESP Exome Variant Server 0.00031; 1000 Genomes Project 0.00020.

Submission:

Labcorp Genetics (formerly Invitae), Labcorp
Classification: Uncertain significance. Last evaluated: 2022-11-01. Review status: criteria provided, single submitter. Criteria: Invitae Variant Classification Sherloc (09022015). Collection method: clinical testing. Allele origin: germline.
Comment: This sequence change replaces alanine, which is neutral and non-polar, with threonine, which is neutral and polar, at codon 415 of the PLOD3 protein (p.Ala415Thr). This variant is present in population databases (rs144508814, gnomAD 0.01%). This variant has not been reported in the literature in individuals affected with PLOD3-related conditions. ClinVar contains an entry for this variant (Variation ID: 1500666). Advanced modeling of protein sequence and biophysical properties (such as structural, functional, and spatial information, amino acid conservation, physicochemical variation, residue mobility, and thermodynamic stability) performed at Invitae indicates that this missense variant is not expected to disrupt PLOD3 protein function. In summary, the available evidence is currently insufficient to determine the role of this variant in disease. Therefore, it has been classified as a Variant of Uncertain Significance.

NM_001084.5(PLOD3):c.1243G>A (p.Ala415Thr)

Gene: PLOD3 (procollagen-lysine,2-oxoglutarate 5-dioxygenase 3; minus strand). Cytogenetic location: 7q22.1.
Variant type: single nucleotide variant.
Coding change: c.1243G>A on transcript NM_001084.5 (MANE Select); coding-DNA position 1243, G replaced by A.
Protein change: p.Ala415Thr; replaces alanine 415 with threonine.
Molecular consequence: missense variant.
Genome position (GRCh38, 1-based): chr7:101,211,706, C>T on the plus strand (G>A on the coding strand, the complement: PLOD3 is on the minus strand). VCF-style: chr7-101211706-C-T. GRCh37 (hg19) VCF-style: chr7-100854987-C-T.
Other names: short protein forms A415T.
Identifiers: ClinVar variation 1500666 (VCV001500666.3), dbSNP rs144508814, ClinGen allele CA4407762.
Genomic context (GRCh38, chr7:101,211,706, plus strand): 5'-CGGGGCTCAGGGCGCCCCAGAAGTTGGACCACAGCTTGCCGTGGCGGGACAGCATGGGGG[C>T]GATCACCTTCCTGCGGACAGGTGGGGGTGAGGGCTGGGCAGACGGGAGCAGGCCTGGGGA-3'
Protein context (NP_001075.1, residues 405-425): ILIEENRKVI[Ala415Thr]PMLSRHGKLW